The following is an entry in ClinVar:

NC_000002.11:g.(?_71793585)_(71797846_?)del

Gene: DYSF (dysferlin; plus strand). Cytogenetic location: 2p13.2.
Variant type: Deletion.
Identifiers: ClinVar variation 2424697 (VCV002424697.4).

ClinVar aggregate classification (germline): Pathogenic (1 of 4 stars; one submission).

Conditions:
Neuromuscular disease caused by qualitative or quantitative defects of dysferlin. Also called: Dysferlinopathy; Qualitative or quantitative defects of dysferlin. Identifiers: Orphanet 207073, MedGen C2931687, MONDO:0016145.

Submission:

Labcorp Genetics (formerly Invitae), Labcorp
Classification: Pathogenic for Neuromuscular disease caused by qualitative or quantitative defects of dysferlin. Last evaluated: 2019-01-28. Review status: criteria provided, single submitter. Criteria: Invitae Variant Classification Sherloc (09022015). Collection method: clinical testing. Allele origin: germline.
Comment: For these reasons, this variant has been classified as Pathogenic. Loss-of-function variants in DYSF are known to be pathogenic (PMID: 17698709, 20301480). This variant disrupts the p.Arg959 amino acid residue in DYSF. Other variant(s) that disrupt this residue have been observed in affected individuals (PMID: 14678801, 22194990, 19528035, 16934466, 17070050), suggesting that it is a clinically significant residue. As a result, variants that disrupt this residue are likely to be causative of disease. This variant has not been reported in the literature in individuals with DYSF-related conditions. This variant is a deletion of the genomic region encompassing exons 25-28 and part of exon 29 (c.2512-1496_3149del) of the DYSF gene. It is expected to disrupt RNA splicing and likely results in an absent or disrupted protein product.

Literature cited by the submitters: PubMed 17698709; PubMed 20301480; PubMed 14678801; PubMed 22194990; PubMed 19528035; PubMed 16934466; PubMed 17070050.